The following is an entry in ClinVar:

NM_020699.4(GATAD2B):c.343G>T (p.Glu115Ter)

Gene: GATAD2B (GATA zinc finger domain containing 2B; minus strand). Cytogenetic location: 1q21.3.
Variant type: single nucleotide variant.
Coding change: c.343G>T on transcript NM_020699.4 (MANE Select); coding-DNA position 343, G replaced by T.
Protein change: p.Glu115Ter; replaces glutamic acid 115 with a stop codon.
Molecular consequence: nonsense.
Genome position (GRCh38, 1-based): chr1:153,819,728, C>A on the plus strand (G>T on the coding strand, the complement: GATAD2B is on the minus strand). VCF-style: chr1-153819728-C-A. GRCh37 (hg19) VCF-style: chr1-153792204-C-A.
Other names: short protein forms E115*.
Identifiers: ClinVar variation 3066354 (VCV003066354.1), dbSNP rs202246304, ClinGen allele CA342536029.

ClinVar aggregate classification (germline): Likely pathogenic (1 of 4 stars; one submission).

Conditions:
Severe intellectual disability-poor language-strabismus-grimacing face-long fingers syndrome (GAND). Also called: GAND SYNDROME. Identifiers: Orphanet 363686, MedGen C3554448, MONDO:0014034, OMIM 615074.

Submission:

MVZ Medizinische Genetik Mainz
Classification: Likely pathogenic for Severe intellectual disability-poor language-strabismus-grimacing face-long fingers syndrome. Last evaluated: 2022-03-17. Review status: criteria provided, single submitter. Criteria: UK Practice Guidelines For Variant Classification V4 01 2020. Collection method: clinical testing. Allele origin: germline. Inheritance: Autosomal dominant inheritance. Affected: yes. Observed: 1 variant allele.
Comment: ACMG Criteria: PVS1, PM2_SUP